The following is an entry in ClinVar:

NM_021956.5(GRIK2):c.2508T>C (p.Phe836=)

Gene: GRIK2 (glutamate ionotropic receptor kainate type subunit 2; plus strand). Cytogenetic location: 6q16.3.
Variant type: single nucleotide variant.
Coding change: c.2508T>C on transcript NM_021956.5 (MANE Select); coding-DNA position 2508, T replaced by C.
Protein change: p.Phe836=; no amino-acid change (phenylalanine 836 retained).
Molecular consequence: synonymous variant.
Genome position (GRCh38, 1-based): chr6:102,055,526, T>C. VCF-style: chr6-102055526-T-C. GRCh37 (hg19) VCF-style: chr6-102503401-T-C.
Other names: c.2508T>C, p.Phe836= (NM_001166247.1, NM_175768.3).
Identifiers: ClinVar variation 624257 (VCV000624257.35), dbSNP rs139415092, ClinGen allele CA3939823.
Genomic context (GRCh38, chr6:102,055,526, plus strand): 5'-GGTTCAGAATATTGGTGGCATCTTCATTGTTCTGGCAGCCGGCTTGGTGCTTTCAGTTTT[T>C]GTGGCAGTGGGAGAATTTTTATACAAATCCAAAAAAAACGCTCAATTGGAAAAGGTAAAT-3'
Protein context (NP_068775.1, residues 826-846): VLAAGLVLSV[Phe836=]VAVGEFLYKS

ClinVar aggregate classification (germline): Likely benign. Review status: criteria provided, multiple submitters, no conflicts (2 of 4 stars). 5 submissions from 5 submitters: Likely benign (5). Last evaluated 2026-06-01.

Allele frequency attached by ClinVar (database versions not stated): gnomAD 0.00061 and 0.00067; TOPMed 0.00077; 1000 Genomes Project 30x 0.00078; 1000 Genomes Project 0.00080; ESP Exome Variant Server 0.00092; gnomAD exomes 0.00093 and 0.00097; ExAC 0.00105.
gnomAD v4.1: 1,531 of 1,612,824 alleles (0.095%); highest among the groups gnomAD compares: Middle Eastern, 0.3%; 9 homozygotes.

Submissions (5):

CeGaT Center for Human Genetics Tuebingen
Classification: Likely benign. Last evaluated: 2026-06-01. Review status: criteria provided, single submitter. Criteria: CeGaT Center For Human Genetics Tuebingen Variant Classification Criteria Version 2. Collection method: clinical testing. Allele origin: germline. Affected: yes. Observed: 13 variant alleles.
Comment: GRIK2: BP4, BP7

Blueprint Genetics
Classification: Likely benign. Last evaluated: 2024-10-10. Review status: criteria provided, single submitter. Criteria: ACMG Guidelines, 2015. Collection method: clinical testing. Allele origin: germline.

Labcorp Genetics (formerly Invitae), Labcorp
Classification: Likely benign. Last evaluated: 2019-12-31. Review status: criteria provided, single submitter. Criteria: Invitae Variant Classification Sherloc (09022015). Collection method: clinical testing. Allele origin: germline.

Genetic Services Laboratory, University of Chicago
Classification: Likely benign. Last evaluated: 2018-12-17. Review status: criteria provided, single submitter. Criteria: ACMG Guidelines, 2015. Collection method: clinical testing. Allele origin: germline. Affected: no.

Breakthrough Genomics
Classification: Likely benign. Review status: criteria provided, single submitter. Criteria: ACMG Guidelines, 2015. Collection method: not provided. Allele origin: germline. Inheritance: Autosomal recessive inheritance. Affected: yes.